The following is an entry in ClinVar:

NM_006662.3(SRCAP):c.8503G>T (p.Val2835Leu)

Gene: SRCAP (Snf2 related CREBBP activator protein; plus strand). Cytogenetic location: 16p11.2.
Variant type: single nucleotide variant.
Coding change: c.8503G>T on transcript NM_006662.3 (MANE Select); coding-DNA position 8503, G replaced by T.
Protein change: p.Val2835Leu; replaces valine 2835 with leucine.
Molecular consequence: missense variant.
Genome position (GRCh38, 1-based): chr16:30,738,543, G>T. VCF-style: chr16-30738543-G-T. GRCh37 (hg19) VCF-style: chr16-30749864-G-T.
Other names: short protein forms V2835L.
Identifiers: ClinVar variation 2784457 (VCV002784457.3), dbSNP rs2053184753, ClinGen allele CA395637870.
Genomic context (GRCh38, chr16:30,738,543, plus strand): 5'-TCCTCACTGCCCACTCCACCCCAGCAGCCCTTCATTGCTCGCCGTCACATTGAGCTGGGG[G>T]TGACTGGTGGTGGCAGCCCCGAGAATGGAGACGGAGCACTGCTCGCCATCACCCCACCTG-3'
Protein context (NP_006653.2, residues 2825-2845): FIARRHIELG[Val2835Leu]TGGGSPENGD

ClinVar aggregate classification (germline): Uncertain significance (1 of 4 stars; one submission).

Allele frequency attached by ClinVar (database versions not stated): TOPMed below 0.00001.

Submission:

Labcorp Genetics (formerly Invitae), Labcorp
Classification: Uncertain significance. Last evaluated: 2023-12-22. Review status: criteria provided, single submitter. Criteria: Invitae Variant Classification Sherloc (09022015). Collection method: clinical testing. Allele origin: germline.
Comment: This sequence change replaces valine, which is neutral and non-polar, with leucine, which is neutral and non-polar, at codon 2835 of the SRCAP protein (p.Val2835Leu). This variant is not present in population databases (gnomAD no frequency). This variant has not been reported in the literature in individuals affected with SRCAP-related conditions. Advanced modeling of protein sequence and biophysical properties (such as structural, functional, and spatial information, amino acid conservation, physicochemical variation, residue mobility, and thermodynamic stability) performed at Invitae indicates that this missense variant is not expected to disrupt SRCAP protein function with a negative predictive value of 80%. In summary, the available evidence is currently insufficient to determine the role of this variant in disease. Therefore, it has been classified as a Variant of Uncertain Significance.